The following is an entry in ClinVar:

ClinVar aggregate classification (germline): Uncertain significance. Review status: criteria provided, multiple submitters, no conflicts (2 of 4 stars). 2 submissions from 2 submitters: Uncertain significance (2). Last evaluated 2023-08-15.

Conditions:
Wilson disease (WND). Also called: Wilson's disease. Identifiers: Orphanet 905, MedGen C0019202, MONDO:0010200, OMIM 277900. Disease mechanism: loss of function.

Allele frequency attached by ClinVar (database versions not stated): TOPMed below 0.00001.

Submissions (2):

All of Us Research Program, National Institutes of Health
Classification: Uncertain significance for Wilson disease. Last evaluated: 2023-08-15. Review status: criteria provided, single submitter. Criteria: ACMG Guidelines, 2015. Collection method: clinical testing. Allele origin: germline. Inheritance: Autosomal recessive inheritance. Observed: 2 variant alleles, 2 heterozygotes.
Comment: This study involves interpretation of variants in research participants for the purpose of population health screening. Participant phenotype was not available at the time of variant classification. Additional details can be found in publication PMID: 35346344, PMCID: PMC8962531

Illumina Laboratory Services, Illumina
Classification: Uncertain significance for Wilson disease. Last evaluated: 2018-01-13. Review status: criteria provided, single submitter. Criteria: ICSL Variant Classification Criteria 13 December 2019. Collection method: clinical testing. Allele origin: germline.

NM_000053.4(ATP7B):c.2666A>G (p.His889Arg)

Gene: ATP7B (ATPase copper transporting beta; minus strand). Cytogenetic location: 13q14.3.
Variant type: single nucleotide variant.
Coding change: c.2666A>G on transcript NM_000053.4 (MANE Select); coding-DNA position 2666, A replaced by G.
Protein change: p.His889Arg; replaces histidine 889 with arginine.
Molecular consequence: missense variant.
Genome position (GRCh38, 1-based): chr13:51,950,071, T>C on the plus strand (A>G on the coding strand, the complement: ATP7B is on the minus strand). VCF-style: chr13-51950071-T-C. GRCh37 (hg19) VCF-style: chr13-52524207-T-C.
Other names: c.2180A>G, p.His727Arg (NM_001005918.3); c.2333A>G, p.His778Arg (NM_001243182.2); c.2432A>G, p.His811Arg (NM_001330578.2); c.2414A>G, p.His805Arg (NM_001330579.2); short protein forms H727R, H778R, H811R, H889R, H805R.
Identifiers: ClinVar variation 882966 (VCV000882966.5), dbSNP rs1202275017, ClinGen allele CA388034442.